The following is an entry in ClinVar:

NM_024675.4(PALB2):c.3498T>C (p.Gly1166=)

Gene: PALB2 (partner and localizer of BRCA2; minus strand). Cytogenetic location: 16p12.2.
Variant type: single nucleotide variant.
Coding change: c.3498T>C on transcript NM_024675.4 (MANE Select); coding-DNA position 3498, T replaced by C.
Protein change: p.Gly1166=; no amino-acid change (glycine 1166 retained).
Molecular consequence: synonymous variant. On other transcripts: 3 prime UTR variant (5).
Genome position (GRCh38, 1-based): chr16:23,603,522, A>G on the plus strand (T>C on the coding strand, the complement: PALB2 is on the minus strand). VCF-style: chr16-23603522-A-G. GRCh37 (hg19) VCF-style: chr16-23614843-A-G.
Other names: c.3438T>C, p.Gly1146= (NM_001407296.1); c.3426T>C, p.Gly1142= (NM_001407297.1); c.3336T>C, p.Gly1112= (NM_001407298.1); c.3261T>C, p.Gly1087= (NM_001407299.1); c.3219T>C, p.Gly1073= (NM_001407300.1); c.*133T>C (NM_001407301.1, NM_001407302.1, NM_001407310.1 and 2 more transcripts); c.2613T>C, p.Gly871= (NM_001407304.1, NM_001407305.1, NM_001407306.1); c.2451T>C, p.Gly817= (NM_001407307.1); and 3 more.
Identifiers: ClinVar variation 3904071 (VCV003904071.1).

ClinVar aggregate classification (germline): Benign (1 of 4 stars; one submission).

Conditions:
Familial cancer of breast. Also called: Hereditary breast cancer; hereditary breast carcinoma; BREAST CANCER, FAMILIAL. Identifiers: Orphanet 227535, MedGen C0346153, MONDO:0016419, OMIM 114480. Disease mechanism: loss of function.

Submission:

Myriad Genetics, Inc.
Classification: Benign for Familial cancer of breast. Last evaluated: 2025-01-22. Review status: criteria provided, single submitter. Criteria: Myriad Autosomal Dominant, Autosomal Recessive and X-Linked Classification Criteria (2023). Collection method: clinical testing. Allele origin: unknown.
Comment: This variant is considered benign. This variant is a silent/synonymous amino acid change and it is not expected to impact splicing.